The following is an entry in ClinVar:

ClinVar aggregate classification (germline): Uncertain significance (1 of 4 stars; one submission).

Conditions:
SMS-related disorder. Also called: SMS-related condition.

Allele frequency attached by ClinVar (database versions not stated): TOPMed 0.00002.

Submission:

PreventionGenetics, part of Exact Sciences
Classification: Uncertain significance for SMS-related condition. Last evaluated: 2023-06-01. Review status: criteria provided, single submitter. Criteria: ACMG Guidelines, 2015. Collection method: clinical testing. Allele origin: germline.
Comment: The SMS c.620A>C variant is predicted to result in the amino acid substitution p.Glu207Ala. To our knowledge, this variant has not been reported in the literature. This variant is reported in 0.0036% of alleles in individuals of Latino descent in gnomAD. At this time, the clinical significance of this variant is uncertain due to the absence of conclusive functional and genetic evidence.

NM_004595.5(SMS):c.620A>C (p.Glu207Ala)

Gene: SMS (spermine synthase; plus strand). Cytogenetic location: Xp22.11.
Variant type: single nucleotide variant.
Coding change: c.620A>C on transcript NM_004595.5 (MANE Select); coding-DNA position 620, A replaced by C.
Protein change: p.Glu207Ala; replaces glutamic acid 207 with alanine.
Molecular consequence: missense variant.
Genome position (GRCh38, 1-based): chrX:21,978,074, A>C. VCF-style: chrX-21978074-A-C. GRCh37 (hg19) VCF-style: chrX-21996192-A-C.
Other names: c.461A>C, p.Glu154Ala (NM_001258423.2); short protein forms E154A, E207A.
Identifiers: ClinVar variation 2633550 (VCV002633550.1), dbSNP rs1222075173, ClinGen allele CA412568853.